The following is an entry in ClinVar:

ClinVar aggregate classification (germline): Uncertain significance. Review status: criteria provided, multiple submitters, no conflicts (2 of 4 stars). 3 submissions from 3 submitters: Uncertain significance (3). Last evaluated 2025-08-20.

Conditions:
Inborn genetic diseases. Identifiers: MedGen C0950123, MeSH D030342.
Ullrich congenital muscular dystrophy 2 (UCMD2). Identifiers: Orphanet 75840, MedGen C4225314, MONDO:0014654, OMIM 616470.
Bethlem myopathy 2 (BTHLM2). Identifiers: Orphanet 536516, Orphanet 610, MedGen C4225313, MONDO:0034022, OMIM 616471.

Allele frequency attached by ClinVar (database versions not stated): gnomAD 0.00001; TOPMed 0.00003.
gnomAD v4.1: 6 of 1,540,032 alleles (0.00039%); highest among the groups gnomAD compares: African/African-American, 0.0071%; no homozygotes.

Submissions (3):

Ambry Genetics
Classification: Uncertain significance for Inborn genetic diseases. Last evaluated: 2025-08-20. Review status: criteria provided, single submitter. Criteria: Ambry Variant Classification Scheme 2023. Collection method: clinical testing. Allele origin: germline.

Fulgent Genetics
Classification: Uncertain significance for Ullrich congenital muscular dystrophy 2; Bethlem myopathy 2. Last evaluated: 2024-06-12. Review status: criteria provided, single submitter. Criteria: ACMG Guidelines, 2015. Collection method: clinical testing. Allele origin: germline.

Labcorp Genetics (formerly Invitae), Labcorp
Classification: Uncertain significance for Bethlem myopathy 2; Ullrich congenital muscular dystrophy 2. Last evaluated: 2023-09-22. Review status: criteria provided, single submitter. Criteria: Invitae Variant Classification Sherloc (09022015). Collection method: clinical testing. Allele origin: germline.
Comment: In summary, the available evidence is currently insufficient to determine the role of this variant in disease. Therefore, it has been classified as a Variant of Uncertain Significance. Advanced modeling of protein sequence and biophysical properties (such as structural, functional, and spatial information, amino acid conservation, physicochemical variation, residue mobility, and thermodynamic stability) performed at Invitae indicates that this missense variant is not expected to disrupt COL12A1 protein function. This variant has not been reported in the literature in individuals affected with COL12A1-related conditions. The frequency data for this variant in the population databases is considered unreliable, as metrics indicate poor data quality at this position in the gnomAD database. This sequence change replaces proline, which is neutral and non-polar, with leucine, which is neutral and non-polar, at codon 2775 of the COL12A1 protein (p.Pro2775Leu).

NM_004370.6(COL12A1):c.8324C>T (p.Pro2775Leu)

Gene: COL12A1 (collagen type XII alpha 1 chain; minus strand). Cytogenetic location: 6q13.
Variant type: single nucleotide variant.
Coding change: c.8324C>T on transcript NM_004370.6 (MANE Select); coding-DNA position 8324, C replaced by T.
Protein change: p.Pro2775Leu; replaces proline 2775 with leucine.
Molecular consequence: missense variant.
Genome position (GRCh38, 1-based): chr6:75,102,688, G>A on the plus strand (C>T on the coding strand, the complement: COL12A1 is on the minus strand). VCF-style: chr6-75102688-G-A. GRCh37 (hg19) VCF-style: chr6-75812404-G-A.
Other names: c.8324C>T, p.Pro2775Leu (NM_001424113.1); c.8303C>T, p.Pro2768Leu (NM_001424114.1); c.8051C>T, p.Pro2684Leu (NM_001424115.1); c.4832C>T, p.Pro1611Leu (NM_001424116.1, NM_080645.3); c.8324C>T (NM_004370.5); short protein forms P2768L, P1611L, P2684L, P2775L.
Identifiers: ClinVar variation 2925986 (VCV002925986.5), dbSNP rs888653396, ClinGen allele CA141005386.